The following is an entry in ClinVar:

ClinVar aggregate classification (germline): Pathogenic (1 of 4 stars; one submission).

Submission:

Labcorp Genetics (formerly Invitae), Labcorp
Classification: Pathogenic. Last evaluated: 2025-08-29. Review status: criteria provided, single submitter. Criteria: Invitae Variant Classification Sherloc (09022015). Collection method: clinical testing. Allele origin: germline.
Comment: This sequence change creates a premature translational stop signal (p.Gly148Argfs*3) in the GPX4 gene. It is expected to result in an absent or disrupted protein product. Loss-of-function variants in GPX4 are known to be pathogenic (PMID: 24706940). This variant is present in population databases (no rsID available, gnomAD 0.007%). This variant has not been reported in the literature in individuals affected with GPX4-related conditions. For these reasons, this variant has been classified as Pathogenic.

Literature cited by the submitters: PubMed 24706940.

NM_002085.5(GPX4):c.330dup (p.Gly111fs)

Gene: GPX4 (glutathione peroxidase 4; plus strand). Cytogenetic location: 19p13.3.
Variant type: Duplication.
Coding change: c.330dup on transcript NM_002085.5 (MANE Select); coding-DNA position 330, one base duplicated (A; older notation c.330dupA).
Protein change: p.Gly111fs; shifts the reading frame from glycine 111.
Molecular consequence: frameshift variant.
Genome position (GRCh38, 1-based): chr19:1,105,663, A duplicated. VCF-style (leftmost placement, unchanged base first): chr19-1105662-C-CA. GRCh37 (hg19) VCF-style: chr19-1105661-C-CA.
Other names: c.330dup, p.Gly111fs (NM_001039847.3); c.441dup, p.Gly148fs (NM_001039848.4); c.249dup, p.Gly84fs (NM_001367832.1); short protein forms G111fs, G148fs, G84fs.
Identifiers: ClinVar variation 4700090 (VCV004700090.1).